The following is an entry in ClinVar:

ClinVar aggregate classification (germline): Uncertain significance (1 of 4 stars; one submission).

Conditions:
Myopathy with tubular aggregates (TAM). Also called: Tubular Aggregate Myopathy. Identifiers: Orphanet 2593, MedGen C0410207, MONDO:0008051.
Combined immunodeficiency due to STIM1 deficiency. Also called: STIM1 DEFICIENCY; IMMUNODEFICIENCY 10. Identifiers: Orphanet 169090, Orphanet 317430, MedGen C2748557, MONDO:0013008, OMIM 612783.
Stormorken syndrome (STRMK). Also called: THROMBOCYTOPATHY, ASPLENIA, AND MIOSIS. Identifiers: Orphanet 3204, MedGen C1861451, MONDO:0008497, OMIM 185070.

Submission:

Labcorp Genetics (formerly Invitae), Labcorp
Classification: Uncertain significance for Myopathy with tubular aggregates; Combined immunodeficiency due to STIM1 deficiency; Stormorken syndrome. Last evaluated: 2024-10-03. Review status: criteria provided, single submitter. Criteria: Invitae Variant Classification Sherloc (09022015). Collection method: clinical testing. Allele origin: germline.
Comment: This sequence change replaces serine, which is neutral and polar, with phenylalanine, which is neutral and non-polar, at codon 553 of the STIM1 protein (p.Ser553Phe). This variant is not present in population databases (gnomAD no frequency). This variant has not been reported in the literature in individuals affected with STIM1-related conditions. Invitae Evidence Modeling of protein sequence and biophysical properties (such as structural, functional, and spatial information, amino acid conservation, physicochemical variation, residue mobility, and thermodynamic stability) has been performed for this missense variant. However, the output from this modeling did not meet the statistical confidence thresholds required to predict the impact of this variant on STIM1 protein function. In summary, the available evidence is currently insufficient to determine the role of this variant in disease. Therefore, it has been classified as a Variant of Uncertain Significance.

NM_001382567.1(STIM1):c.1751C>T (p.Ser584Phe)

Gene: STIM1 (stromal interaction molecule 1; plus strand). Cytogenetic location: 11p15.4.
Variant type: single nucleotide variant.
Coding change: c.1751C>T on transcript NM_001382567.1 (MANE Select); coding-DNA position 1751, C replaced by T.
Protein change: p.Ser584Phe; replaces serine 584 with phenylalanine.
Molecular consequence: missense variant. On other transcripts: 3 prime UTR variant (4), non-coding transcript variant (3).
Genome position (GRCh38, 1-based): chr11:4,091,398, C>T. VCF-style: chr11-4091398-C-T. GRCh37 (hg19) VCF-style: chr11-4112628-C-T.
Other names: c.1976C>T, p.Ser659Phe (NM_001277961.3); c.*72C>T (NM_001277962.2, NM_001382578.1, NM_001382579.1 and 1 more transcripts); c.1754C>T, p.Ser585Phe (NM_001382566.1); c.1679C>T, p.Ser560Phe (NM_001382568.1); c.1523C>T, p.Ser508Phe (NM_001382569.1); c.1430C>T, p.Ser477Phe (NM_001382570.1); c.1178C>T, p.Ser393Phe (NM_001382571.1); c.1436C>T, p.Ser479Phe (NM_001382575.1, NM_001382576.1, NM_001382577.1); and 2 more; short protein forms S390F, S393F, S477F, S479F, S508F, S553F, S560F, S584F.
Identifiers: ClinVar variation 3751099 (VCV003751099.2).